The following is an entry in ClinVar:

ClinVar aggregate classification (germline): Uncertain significance (1 of 4 stars; one submission).

Conditions:
Hereditary cancer-predisposing syndrome. Also called: Neoplastic Syndromes, Hereditary; Tumor predisposition; Hereditary Cancer Syndrome; Hereditary neoplastic syndrome. Identifiers: Orphanet 140162, MedGen C0027672, MeSH D009386, MONDO:0015356.

Submission:

Ambry Genetics
Classification: Uncertain significance for Hereditary cancer-predisposing syndrome. Last evaluated: 2022-08-23. Review status: criteria provided, single submitter. Criteria: Ambry Variant Classification Scheme 2023. Collection method: clinical testing. Allele origin: germline.
Comment: The p.V301F variant (also known as c.901G>T), located in coding exon 3 of the BLM gene, results from a G to T substitution at nucleotide position 901. The valine at codon 301 is replaced by phenylalanine, an amino acid with highly similar properties. This amino acid position is conserved. In addition, the in silico prediction for this alteration is inconclusive. Since supporting evidence is limited at this time, the clinical significance of this alteration remains unclear.

NM_000057.4(BLM):c.901G>T (p.Val301Phe)

Gene: BLM (BLM RecQ like helicase; plus strand). Cytogenetic location: 15q26.1.
Variant type: single nucleotide variant.
Coding change: c.901G>T on transcript NM_000057.4 (MANE Select); coding-DNA position 901, G replaced by T.
Protein change: p.Val301Phe; replaces valine 301 with phenylalanine.
Molecular consequence: missense variant. On other transcripts: 5 prime UTR variant (1).
Genome position (GRCh38, 1-based): chr15:90,751,888, G>T. VCF-style: chr15-90751888-G-T. GRCh37 (hg19) VCF-style: chr15-91295118-G-T.
Other names: c.901G>T, p.Val301Phe (NM_001287246.2, NM_001287247.2); c.-391G>T (NM_001287248.2); short protein forms V301F.
Identifiers: ClinVar variation 1765511 (VCV001765511.2), dbSNP rs2505400205, ClinGen allele CA393841846.